The following is an entry in ClinVar:

NM_003900.5(SQSTM1):c.850T>A (p.Ser284Thr)

Gene: SQSTM1 (sequestosome 1; plus strand). Cytogenetic location: 5q35.3.
Variant type: single nucleotide variant.
Coding change: c.850T>A on transcript NM_003900.5 (MANE Select); coding-DNA position 850, T replaced by A.
Protein change: p.Ser284Thr; replaces serine 284 with threonine.
Molecular consequence: missense variant.
Genome position (GRCh38, 1-based): chr5:179,833,127, T>A. VCF-style: chr5-179833127-T-A. GRCh37 (hg19) VCF-style: chr5-179260127-T-A.
Other names: c.598T>A, p.Ser200Thr (NM_001142298.2, NM_001142299.2); short protein forms S200T, S284T.
Identifiers: ClinVar variation 1044688 (VCV001044688.8), dbSNP rs764205744, ClinGen allele CA362451371.

ClinVar aggregate classification (germline): Uncertain significance (1 of 4 stars; one submission).

Conditions:
Paget disease of bone 2, early-onset (PDB2). Also called: Paget disease of bone 2. Identifiers: MedGen C4085251, MONDO:0011183, OMIM 602080.
Frontotemporal dementia and/or amyotrophic lateral sclerosis 1 (FTDALS1). Also called: Frontotemporal dementia with motor neuron disease 1; C9orf72 Frontotemporal Dementia and/or Amyotrophic Lateral Sclerosis. Identifiers: Orphanet 275872, MedGen C5779877, MONDO:0007105, OMIM 105550.

gnomAD v4.1: 1 of 1,614,164 alleles (0.000062%); highest among the groups gnomAD compares: African/African-American, 0.0013%; no homozygotes.

Submission:

Labcorp Genetics (formerly Invitae), Labcorp
Classification: Uncertain significance for Paget disease of bone 2, early-onset; Frontotemporal dementia and/or amyotrophic lateral sclerosis 1. Last evaluated: 2022-08-15. Review status: criteria provided, single submitter. Criteria: Invitae Variant Classification Sherloc (09022015). Collection method: clinical testing. Allele origin: germline.
Comment: This sequence change replaces serine, which is neutral and polar, with threonine, which is neutral and polar, at codon 284 of the SQSTM1 protein (p.Ser284Thr). In summary, the available evidence is currently insufficient to determine the role of this variant in disease. Therefore, it has been classified as a Variant of Uncertain Significance. Algorithms developed to predict the effect of missense changes on protein structure and function output the following: SIFT: "Tolerated"; PolyPhen-2: "Benign"; Align-GVGD: "Class C0". The threonine amino acid residue is found in multiple mammalian species, which suggests that this missense change does not adversely affect protein function. ClinVar contains an entry for this variant (Variation ID: 1044688). This variant has not been reported in the literature in individuals affected with SQSTM1-related conditions. This variant is not present in population databases (gnomAD no frequency).